The following is an entry in ClinVar:

ClinVar aggregate classification (germline): Uncertain significance (1 of 4 stars; one submission).

gnomAD v4.1: 1 of 1,613,176 alleles (0.000062%); highest among the groups gnomAD compares: Non-Finnish European, 0.000085%; no homozygotes.

Submission:

Labcorp Genetics (formerly Invitae), Labcorp
Classification: Uncertain significance. Last evaluated: 2025-02-26. Review status: criteria provided, single submitter. Criteria: Invitae Variant Classification Sherloc (09022015). Collection method: clinical testing. Allele origin: germline.
Comment: This sequence change replaces glutamic acid, which is acidic and polar, with lysine, which is basic and polar, at codon 1746 of the MYH14 protein (p.Glu1746Lys). This variant is not present in population databases (gnomAD no frequency). This variant has not been reported in the literature in individuals affected with MYH14-related conditions. Invitae Evidence Modeling of protein sequence and biophysical properties (such as structural, functional, and spatial information, amino acid conservation, physicochemical variation, residue mobility, and thermodynamic stability) indicates that this missense variant is not expected to disrupt MYH14 protein function with a negative predictive value of 80%. In summary, the available evidence is currently insufficient to determine the role of this variant in disease. Therefore, it has been classified as a Variant of Uncertain Significance.

NM_001145809.2(MYH14):c.5359G>A (p.Glu1787Lys)

Gene: MYH14 (myosin heavy chain 14; plus strand). Cytogenetic location: 19q13.33.
Variant type: single nucleotide variant.
Coding change: c.5359G>A on transcript NM_001145809.2 (MANE Select); coding-DNA position 5359, G replaced by A.
Protein change: p.Glu1787Lys; replaces glutamic acid 1787 with lysine.
Molecular consequence: missense variant.
Genome position (GRCh38, 1-based): chr19:50,293,577, G>A. VCF-style: chr19-50293577-G-A. GRCh37 (hg19) VCF-style: chr19-50796834-G-A.
Other names: c.5260G>A, p.Glu1754Lys (NM_001077186.2); c.5236G>A, p.Glu1746Lys (NM_024729.4); short protein forms E1746K, E1754K, E1787K.
Identifiers: ClinVar variation 4807961 (VCV004807961.1).